The following is an entry in ClinVar:

ClinVar aggregate classification (germline): Benign. Review status: criteria provided, multiple submitters, no conflicts (2 of 4 stars). 2 submissions from 2 submitters: Benign (2). Last evaluated 2018-06-14.

Allele frequency attached by ClinVar (database versions not stated): 1000 Genomes Project 30x 0.02764; 1000 Genomes Project 0.02835; TOPMed 0.04986; gnomAD 0.05021 and 0.05053; gnomAD exomes 0.07038.
gnomAD v4.1: 100,386 of 1,476,844 alleles (6.8%); highest among the groups gnomAD compares: Non-Finnish European, 7.9%; 3,894 homozygotes.

Submissions (2):

GeneDx
Classification: Benign. Last evaluated: 2018-06-14. Review status: criteria provided, single submitter. Criteria: GeneDx Variant Classification (06012015). Collection method: clinical testing. Allele origin: germline. Affected: yes.
Comment: This variant is considered likely benign or benign based on one or more of the following criteria: it is a conservative change, it occurs at a poorly conserved position in the protein, it is predicted to be benign by multiple in silico algorithms, and/or has population frequency not consistent with disease.

Breakthrough Genomics
Classification: Benign. Review status: criteria provided, single submitter. Criteria: ACMG Guidelines, 2015. Collection method: not provided. Allele origin: germline. Inheritance: Autosomal recessive inheritance. Affected: yes.

NM_005682.7(ADGRG1):c.620+151A>G

Gene: ADGRG1 (adhesion G protein-coupled receptor G1; plus strand). Cytogenetic location: 16q21.
Variant type: single nucleotide variant.
Coding change: c.620+151A>G on transcript NM_005682.7; 151 bases into the intron after coding-DNA position 620, A replaced by G.
Genome position (GRCh38, 1-based): chr16:57,653,486, A>G. VCF-style: chr16-57653486-A-G. GRCh37 (hg19) VCF-style: chr16-57687398-A-G.
Other names: c.620+151A>G (NM_001370440.1, NM_001370428.1, NM_001370436.1 and 16 more transcripts); c.111-500A>G (NM_001290142.2); c.95+151A>G (NM_001370451.1, NM_001290143.2, NM_001370453.1 and 2 more transcripts); c.464+151A>G (NM_001370442.1); c.635+151A>G (NM_001370433.1, NM_001145773.3).
Identifiers: ClinVar variation 681780 (VCV000681780.3), dbSNP rs117420955, ClinGen allele CA281573749.